The following is an entry in ClinVar:

NM_000023.4(SGCA):c.*6T>C

Gene: SGCA (sarcoglycan alpha; plus strand). Cytogenetic location: 17q21.33.
Variant type: single nucleotide variant.
Coding change: c.*6T>C on transcript NM_000023.4 (MANE Select); 6 bases downstream of the stop codon, T replaced by C.
Molecular consequence: 3 prime UTR variant. On other transcripts: non-coding transcript variant (1).
Genome position (GRCh38, 1-based): chr17:50,175,443, T>C. VCF-style: chr17-50175443-T-C. GRCh37 (hg19) VCF-style: chr17-48252804-T-C.
Other names: c.*6T>C (NM_001135697.3).
Identifiers: ClinVar variation 167679 (VCV000167679.21), dbSNP rs2696288, ClinGen allele CA214793.

ClinVar aggregate classification (germline): Benign. Review status: criteria provided, multiple submitters, no conflicts (2 of 4 stars). 11 submissions from 11 submitters: Benign (8). 3 of the submissions do not count toward it. Last evaluated 2025-12-26.

Conditions:
Autosomal recessive limb-girdle muscular dystrophy type 2D (LGMDR3). Also called: MUSCULAR DYSTROPHY, LIMB-GIRDLE, AUTOSOMAL RECESSIVE 3; ADHALINOPATHY, PRIMARY; DUCHENNE-LIKE AUTOSOMAL RECESSIVE MUSCULAR DYSTROPHY, TYPE 2. Identifiers: Orphanet 62, MedGen C2936332, MONDO:0011968, OMIM 608099. Disease mechanism: Affects gamma-sarcoglycan and also disrupts the integrity of the entire sarcoglycan complex..

Allele frequency attached by ClinVar (database versions not stated): TOPMed 0.90912; gnomAD exomes 0.95849 and 0.95742; ESP Exome Variant Server 0.90492; gnomAD 0.91073 and 0.91539; 1000 Genomes Project 30x 0.91615; 1000 Genomes Project 0.92192; ExAC 0.95656.
gnomAD v4.1: 1,537,294 of 1,612,590 alleles (95%); highest among the groups gnomAD compares: East Asian, 100%; 733,968 homozygotes.

Submissions (11):

Women's Health and Genetics/Laboratory Corporation of America, LabCorp
Classification: Benign. Last evaluated: 2025-12-26. Review status: criteria provided, single submitter. Criteria: LabCorp Variant Classification Summary - May 2015. Collection method: clinical testing. Allele origin: germline.

Blueprint Genetics
Classification: Benign. Last evaluated: 2024-11-28. Review status: criteria provided, single submitter. Criteria: ACMG Guidelines, 2015. Collection method: clinical testing. Allele origin: germline.

Genome-Nilou Lab
Classification: Benign for Autosomal recessive limb-girdle muscular dystrophy type 2D. Last evaluated: 2021-06-10. Review status: criteria provided, single submitter. Criteria: ACMG Guidelines, 2015. Collection method: clinical testing. Allele origin: germline. Affected: no.

Mayo Clinic Laboratories, Mayo Clinic
Classification: Benign. Last evaluated: 2017-12-04. Review status: criteria provided, single submitter. Criteria: ACMG Guidelines, 2015. Collection method: clinical testing. Allele origin: germline. Observed: 724 variant alleles.

Eurofins Ntd Llc (ga)
Classification: Benign. Last evaluated: 2015-07-06. Review status: criteria provided, single submitter. Criteria: EGL Classification Definitions 2015. Collection method: clinical testing. Allele origin: germline. Observed: 99 variant alleles, 7 heterozygotes, 92 homozygotes.

Laboratory for Molecular Medicine, Mass General Brigham Personalized Medicine
Classification: Benign. Last evaluated: 2014-11-24. Review status: criteria provided, single submitter. Criteria: LMM Criteria. Collection method: clinical testing. Allele origin: germline. Observed: 13 variant alleles.
Comment: *6T>C in exon 9 of SGCA: This variant is not expected to have clinical significa nce because it has been identified in 20.1% (880/4388) of African American chrom osomes from a broad population by the NHLBI Exome Sequencing Project (.; dbSNP rs2696288).

Genetic Services Laboratory, University of Chicago
Classification: Benign for AllHighlyPenetrant. Last evaluated: 2013-08-15. Review status: criteria provided, single submitter. Criteria: ACMG Guidelines, 2007. Collection method: clinical testing. Allele origin: germline. Inheritance: Autosomal recessive inheritance.

Breakthrough Genomics
Classification: Benign. Review status: criteria provided, single submitter. Criteria: ACMG Guidelines, 2015. Collection method: not provided. Allele origin: germline. Inheritance: Autosomal recessive inheritance. Affected: yes.

Natera, Inc.
Classification: Benign for Limb-girdle muscular dystrophy type 2D. Last evaluated: 2020-09-16. Review status: no assertion criteria provided. Collection method: clinical testing. Allele origin: germline. Not counted in ClinVar's aggregate classification.

Clinical Genetics, Academic Medical Center
Classification: Benign. Review status: no assertion criteria provided. Collection method: clinical testing. Allele origin: germline. Affected: yes. Study: VKGL Data-share Consensus. Not counted in ClinVar's aggregate classification.

Diagnostic Laboratory, Department of Genetics, University Medical Center Groningen
Classification: Benign. Review status: no assertion criteria provided. Collection method: clinical testing. Allele origin: germline. Affected: yes. Study: VKGL Data-share Consensus. Not counted in ClinVar's aggregate classification.